The following is an entry in ClinVar:

ClinVar aggregate classification (germline): Likely benign. Review status: reviewed by expert panel (3 of 4 stars). 3 submissions from 3 submitters: Likely benign (1). 2 of the submissions do not count toward it. Last evaluated 2017-06-29.

Conditions:
Hereditary cancer-predisposing syndrome. Also called: Hereditary neoplastic syndrome; Hereditary Cancer Syndrome; Neoplastic Syndromes, Hereditary; Tumor predisposition. Identifiers: Orphanet 140162, MedGen C0027672, MeSH D009386, MONDO:0015356.
Breast-ovarian cancer, familial, susceptibility to, 2 (BROVCA2). Also called: BRCA2 Hereditary Breast and Ovarian Cancer. Identifiers: Orphanet 145, MedGen C2675520, MONDO:0012933, OMIM 612555. Disease mechanism: loss of function.
Hereditary breast ovarian cancer syndrome. Also called: Hereditary breast and ovarian cancer syndrome; BRCA1- and BRCA2-Associated Hereditary Breast and Ovarian Cancer; Hereditary breast and/or ovarian cancer syndrome; Hereditary breast and ovarian cancer; Breast and ovarian cancer; Hereditary breast and ovarian cancer syndrome (HBOC). Identifiers: Orphanet 145, MedGen C0677776, MeSH D061325, MONDO:0003582. Disease mechanism: loss of function.

Allele frequency attached by ClinVar (database versions not stated): gnomAD exomes below 0.00001.
gnomAD v4.1: 1 of 1,607,614 alleles (0.000062%); no homozygotes.

Submissions (3):

Evidence-based Network for the Interpretation of Germline Mutant Alleles (ENIGMA)
Classification: Likely benign for Breast-ovarian cancer, familial, susceptibility to, 2. Last evaluated: 2017-06-29. Review status: reviewed by expert panel. Criteria: ENIGMA BRCA1/2 Classification Criteria (2017-06-29). Collection method: curation. Allele origin: germline.
Comment: Synonymous substitution variant, with low bioinformatic likelihood to result in a splicing aberration (Splicing prior probability 0.02).

Labcorp Genetics (formerly Invitae), Labcorp
Classification: Likely benign for Hereditary breast ovarian cancer syndrome. Last evaluated: 2025-09-19. Review status: criteria provided, single submitter. Criteria: Invitae Variant Classification Sherloc (09022015). Collection method: clinical testing. Allele origin: germline. Not counted in ClinVar's aggregate classification.

Ambry Genetics
Classification: Likely benign for Hereditary cancer-predisposing syndrome. Last evaluated: 2016-11-01. Review status: criteria provided, single submitter. Criteria: Ambry Variant Classification Scheme 2023. Collection method: clinical testing. Allele origin: germline. Not counted in ClinVar's aggregate classification.

NM_000059.4(BRCA2):c.6543A>G (p.Gly2181=)

Gene: BRCA2 (BRCA2 DNA repair associated; plus strand). Cytogenetic location: 13q13.1.
Variant type: single nucleotide variant.
Coding change: c.6543A>G on transcript NM_000059.4 (MANE Select); coding-DNA position 6543, A replaced by G.
Protein change: p.Gly2181=; no amino-acid change (glycine 2181 retained).
Molecular consequence: synonymous variant.
Genome position (GRCh38, 1-based): chr13:32,340,898, A>G. VCF-style: chr13-32340898-A-G. GRCh37 (hg19) VCF-style: chr13-32915035-A-G.
Identifiers: ClinVar variation 427394 (VCV000427394.16), dbSNP rs1131692121, ClinGen allele CA483439107.